The following is an entry in ClinVar:

ClinVar aggregate classification (germline): Pathogenic/Likely pathogenic. Review status: criteria provided, multiple submitters, no conflicts (2 of 4 stars). 9 submissions from 9 submitters: Pathogenic (7); Likely pathogenic (2). Last evaluated 2026-09-19.

Conditions:
GNAO1-related disorder. Also called: GNAO1-related condition; GNAO1-Related Disorders. Identifiers: MedGen CN381308.
Developmental and epileptic encephalopathy, 17 (DEE17). Also called: Early infantile epileptic encephalopathy 17. Identifiers: Orphanet 1934, MedGen C3809606, MONDO:0014199, OMIM 615473.
Neurodevelopmental disorder with involuntary movements (NEDIM). Identifiers: Orphanet 592564, MedGen C4479569, MONDO:0060491, OMIM 617493.
Genetic developmental and epileptic encephalopathy. Identifiers: MedGen CN379639, MONDO:0100062.
Early-infantile DEE. Also called: Early infantile epileptic encephalopathy; Early infantile epileptic encephalopathy with suppression bursts; Ohtahara syndrome. Identifiers: Orphanet 1934, MedGen C0393706, MONDO:0800491.

Submissions (9):

PreventionGenetics, part of Exact Sciences
Classification: Pathogenic for GNAO1-related condition. Last evaluated: 2026-09-19. Review status: criteria provided, single submitter. Criteria: ACMG Guidelines, 2015. Collection method: clinical testing. Allele origin: germline.
Comment: The GNAO1 c.680C>T variant is predicted to result in the amino acid substitution p.Ala227Val. This variant has been reported in the de novo state in multiple patients with features consistent with early onset epileptic encephalopathy (see for example: Patient 1, Saitsu et al. 2016. PubMed ID: 25966631; Patient 4, Kim et a. 2020. PubMed ID: 33298085). In vitro functional studies showed that this variant is deleterious (Feng et al. 2017. PubMed ID: 28747448). This variant has not been reported in a large population database (gnomAD), indicating this variant is rare. This variant is interpreted as pathogenic.

3billion
Classification: Pathogenic for Developmental and epileptic encephalopathy, 17. Last evaluated: 2026-01-23. Review status: criteria provided, single submitter. Criteria: ACMG Guidelines, 2015. Collection method: clinical testing. Allele origin: germline. Affected: yes.
Comment: The variant is not observed in the gnomAD v4.1.0 dataset. Predicted Consequence/Location: Missense variant. Missense changes are a common disease-causing mechanism. Functional studies provide moderate evidence of the variant having a damaging effect on the gene or gene product (PMID: 28747448). In silico tool predictions suggest damaging effect of the variant on gene or gene product [REVEL: 0.89 (>=0.6, sensitivity 0.68 and specificity 0.92); 3Cnet: 0.93 (> 0.75, sensitivity 0.96 and precision 0.92)]. The same nucleotide change resulting in the same amino acid change has been previously reported as pathogenic/likely pathogenic with strong evidence (ClinVar ID: VCV000211088 /PMID: 25966631). Therefore, this variant is classified as Pathogenic according to the recommendation of ACMG/AMP guideline.

Labcorp Genetics (formerly Invitae), Labcorp
Classification: Pathogenic for Early-infantile DEE. Last evaluated: 2025-04-29. Review status: criteria provided, single submitter. Criteria: Invitae Variant Classification Sherloc (09022015). Collection method: clinical testing. Allele origin: germline.
Comment: This sequence change replaces alanine, which is neutral and non-polar, with valine, which is neutral and non-polar, at codon 227 of the GNAO1 protein (p.Ala227Val). This variant is not present in population databases (gnomAD no frequency). This missense change has been observed in individual(s) with early onset epileptic encephalopathy (PMID: 25966631). In at least one individual the variant was observed to be de novo. ClinVar contains an entry for this variant (Variation ID: 211088). Invitae Evidence Modeling of protein sequence and biophysical properties (such as structural, functional, and spatial information, amino acid conservation, physicochemical variation, residue mobility, and thermodynamic stability) indicates that this missense variant is expected to disrupt GNAO1 protein function with a positive predictive value of 95%. Experimental studies have shown that this missense change affects GNAO1 function (PMID: 28747448). For these reasons, this variant has been classified as Pathogenic.

Dubai Health Genomic Medicine Center, Dubai Health
Classification: Pathogenic for Developmental and epileptic encephalopathy 17. Last evaluated: 2024-10-04. Review status: criteria provided, single submitter. Criteria: ACMG Guidelines, 2015. Collection method: research. Allele origin: germline. Affected: yes.
Comment: PS3,PS2,PM2,PP3

GeneDx
Classification: Pathogenic. Last evaluated: 2022-07-15. Review status: criteria provided, single submitter. Criteria: GeneDx Variant Classification Process June 2021. Collection method: clinical testing. Allele origin: germline. Affected: yes.
Comment: Not observed at significant frequency in large population cohorts (gnomAD); In silico analysis supports that this missense variant has a deleterious effect on protein structure/function; This variant is associated with the following publications: (PMID: 30838255, 27072799, 25966631, 28747448, 28202424, 28628939, 27787898, 32382396, 33298085, 27535533)

Cambridge Genomics Laboratory, East Genomic Laboratory Hub, NHS Genomic Medicine Service
Classification: Likely pathogenic for Genetic developmental and epileptic encephalopathy. Last evaluated: 2019-06-21. Review status: criteria provided, single submitter. Criteria: ACGS Best Practice Guidelines for Variant Classification in Rare Disease 2020. Collection method: clinical testing. Allele origin: germline. Affected: yes. Observed: 1 variant allele.

Fulgent Genetics
Classification: Pathogenic for Developmental and epileptic encephalopathy, 17; Neurodevelopmental disorder with involuntary movements. Last evaluated: 2018-10-31. Review status: criteria provided, single submitter. Criteria: ACMG Guidelines, 2015. Collection method: clinical testing. Allele origin: unknown.

Cytogénomique, Hospices Civils de Lyon
Classification: Pathogenic for Developmental and epileptic encephalopathy, 17. Last evaluated: 2016-06-21. Review status: criteria provided, single submitter. Criteria: ACMG Guidelines, 2015. Collection method: clinical testing. Allele origin: unknown. Inheritance: Autosomal dominant inheritance. Affected: yes.

Genetic Services Laboratory, University of Chicago
Classification: Likely pathogenic for Epileptic encephalopathy, early infantile, 17. Last evaluated: 2015-05-22. Review status: criteria provided, single submitter. Criteria: ACMG Guidelines, 2015. Collection method: clinical testing. Allele origin: germline. Affected: yes.

Literature cited by the submitters: PubMed 25966631 (cited by 3 submitters); PubMed 28747448 (cited by 3billion and Labcorp Genetics (formerly Invitae), Labcorp).

NM_020988.3(GNAO1):c.680C>T (p.Ala227Val)

Gene: GNAO1 (G protein subunit alpha o1; plus strand). Cytogenetic location: 16q13.
Variant type: single nucleotide variant.
Coding change: c.680C>T on transcript NM_020988.3 (MANE Select); coding-DNA position 680, C replaced by T.
Protein change: p.Ala227Val; replaces alanine 227 with valine.
Molecular consequence: missense variant.
Genome position (GRCh38, 1-based): chr16:56,336,817, C>T. VCF-style: chr16-56336817-C-T. GRCh37 (hg19) VCF-style: chr16-56370729-C-T.
Other names: c.680C>T, p.Ala227Val (NM_138736.3); short protein forms A227V.
Identifiers: ClinVar variation 211088 (VCV000211088.22), dbSNP rs797045599, ClinGen allele CA206640.
Genomic context (GRCh38, chr16:56,336,817, plus strand): 5'-CTGAACGCAAGAAGTGGATCCATTGCTTCGAGGACGTCACGGCCATCATTTTCTGTGTCG[C>T]GCTCAGCGGCTATGACCAGGTGCTCCACGAAGACGAAACCACGGTGAGTGGCCTGGGCCC-3'
Protein context (NP_066268.1, residues 217-237): EDVTAIIFCV[Ala227Val]LSGYDQVLHE